The following is an entry in ClinVar:

ClinVar aggregate classification (germline): Uncertain significance. Review status: criteria provided, multiple submitters, no conflicts (2 of 4 stars). 2 submissions from 2 submitters: Uncertain significance (2). Last evaluated 2025-08-03.

Conditions:
Hereditary cancer-predisposing syndrome. Also called: Hereditary Cancer Syndrome; Neoplastic Syndromes, Hereditary; Hereditary neoplastic syndrome; Tumor predisposition. Identifiers: Orphanet 140162, MedGen C0027672, MeSH D009386, MONDO:0015356.
Multiple endocrine neoplasia, type 1 (MEN1). Also called: MEN I; WERMER SYNDROME; Endocrine adenomatosis multiple; MEN 1; MEA I. Identifiers: Orphanet 652, MedGen C0025267, MeSH D018761, MONDO:0007540, OMIM 131100.

Submissions (2):

Ambry Genetics
Classification: Uncertain significance for Hereditary cancer-predisposing syndrome. Last evaluated: 2025-08-03. Review status: criteria provided, single submitter. Criteria: Ambry Variant Classification Scheme 2023. Collection method: clinical testing. Allele origin: germline.
Comment: The p.D297G variant (also known as c.890A>G), located in coding exon 5 of the MEN1 gene, results from an A to G substitution at nucleotide position 890. The aspartic acid at codon 297 is replaced by glycine, an amino acid with similar properties. This amino acid position is well conserved in available vertebrate species. In addition, the in silico prediction for this alteration is inconclusive. Since supporting evidence is limited at this time, the clinical significance of this alteration remains unclear.

Labcorp Genetics (formerly Invitae), Labcorp
Classification: Uncertain significance for Multiple endocrine neoplasia, type 1. Last evaluated: 2025-02-26. Review status: criteria provided, single submitter. Criteria: Invitae Variant Classification Sherloc (09022015). Collection method: clinical testing. Allele origin: germline.
Comment: This sequence change replaces aspartic acid, which is acidic and polar, with glycine, which is neutral and non-polar, at codon 297 of the MEN1 protein (p.Asp297Gly). This variant is not present in population databases (gnomAD no frequency). This variant has not been reported in the literature in individuals affected with MEN1-related conditions. ClinVar contains an entry for this variant (Variation ID: 822810). Invitae Evidence Modeling of protein sequence and biophysical properties (such as structural, functional, and spatial information, amino acid conservation, physicochemical variation, residue mobility, and thermodynamic stability) has been performed for this missense variant. However, the output from this modeling did not meet the statistical confidence thresholds required to predict the impact of this variant on MEN1 protein function. In summary, the available evidence is currently insufficient to determine the role of this variant in disease. Therefore, it has been classified as a Variant of Uncertain Significance.

NM_001370259.2(MEN1):c.890A>G (p.Asp297Gly)

Gene: MEN1 (menin 1; minus strand). Cytogenetic location: 11q13.1.
Variant type: single nucleotide variant.
Coding change: c.890A>G on transcript NM_001370259.2 (MANE Select); coding-DNA position 890, A replaced by G.
Protein change: p.Asp297Gly; replaces aspartic acid 297 with glycine.
Molecular consequence: missense variant.
Genome position (GRCh38, 1-based): chr11:64,807,033, T>C on the plus strand (A>G on the coding strand, the complement: MEN1 is on the minus strand). VCF-style: chr11-64807033-T-C. GRCh37 (hg19) VCF-style: chr11-64574505-T-C.
Other names: c.905A>G, p.Asp302Gly (NM_000244.4, NM_130800.3, NM_130801.3 and 3 more transcripts); c.890A>G, p.Asp297Gly (NM_001370251.2, NM_130799.3, NM_001370260.2 and 1 more transcripts); c.785A>G, p.Asp262Gly (NM_001370263.2, NM_001370262.2); short protein forms D262G, D297G, D302G.
Identifiers: ClinVar variation 822810 (VCV000822810.15), dbSNP rs1592646361, ClinGen allele CA381183525.
Genomic context (GRCh38, chr11:64,807,033, plus strand): 5'-TAGGGTCTCCCTTCTGCACCCTCCTTAGATGCCCCCACCTTGTGGTAGAGGGTGAGTGGG[T>C]CTGGCCGGCCAGGGGTGGGCTCCAGCTCCTCTAGATCTGCCAGGTTCCCTAAGGCCATGG-3'
Protein context (NP_001357188.2, residues 287-307): EELEPTPGRP[Asp297Gly]PLTLYHKGIA